The following is an entry in ClinVar:

NM_001165963.4(SCN1A):c.326A>T (p.Tyr109Phe)

Gene: SCN1A (sodium voltage-gated channel alpha subunit 1; minus strand). Cytogenetic location: 2q24.3.
Variant type: single nucleotide variant.
Coding change: c.326A>T on transcript NM_001165963.4 (MANE Select); coding-DNA position 326, A replaced by T.
Protein change: p.Tyr109Phe; replaces tyrosine 109 with phenylalanine.
Molecular consequence: missense variant. On other transcripts: 5 prime UTR variant (1), non-coding transcript variant (1).
Genome position (GRCh38, 1-based): chr2:166,058,627, T>A on the plus strand (A>T on the coding strand, the complement: SCN1A is on the minus strand). VCF-style: chr2-166058627-T-A. GRCh37 (hg19) VCF-style: chr2-166915137-T-A.
Other names: c.326A>T, p.Tyr109Phe (NM_001165964.3, NM_001202435.3, NM_001353948.2 and 10 more transcripts); c.-2100A>T (NM_001353961.2); short protein forms Y109F.
Identifiers: ClinVar variation 3614527 (VCV003614527.2).
Genomic context (GRCh38, chr2:166,058,627, plus strand): 5'-TATGAATGTACCAAAATCTTAATAGCTATTTTCCTAAGAGGATTGAAGGGAGTTAAAATG[T>A]ACAGGGCAGAGGTGGCACTGAACCGGAAGATGGCCTTCCCTTTATTCAATACTATAAAAG-3'
Protein context (NP_001159435.1, residues 99-119): IFRFSATSAL[Tyr109Phe]ILTPFNPLRK

ClinVar aggregate classification (germline): Uncertain significance (1 of 4 stars; one submission).

Conditions:
Early-infantile DEE. Also called: Early infantile epileptic encephalopathy; Ohtahara syndrome; Early infantile epileptic encephalopathy with suppression bursts. Identifiers: Orphanet 1934, MedGen C0393706, MONDO:0800491.

Submission:

Labcorp Genetics (formerly Invitae), Labcorp
Classification: Uncertain significance for Early-infantile DEE. Last evaluated: 2024-06-07. Review status: criteria provided, single submitter. Criteria: Invitae Variant Classification Sherloc (09022015). Collection method: clinical testing. Allele origin: germline.
Comment: This sequence change replaces tyrosine, which is neutral and polar, with phenylalanine, which is neutral and non-polar, at codon 109 of the SCN1A protein (p.Tyr109Phe). This variant is not present in population databases (gnomAD no frequency). This variant has not been reported in the literature in individuals affected with SCN1A-related conditions. Advanced modeling of protein sequence and biophysical properties (such as structural, functional, and spatial information, amino acid conservation, physicochemical variation, residue mobility, and thermodynamic stability) performed at Invitae indicates that this missense variant is expected to disrupt SCN1A protein function with a positive predictive value of 80%. In summary, the available evidence is currently insufficient to determine the role of this variant in disease. Therefore, it has been classified as a Variant of Uncertain Significance.